The following is an entry in ClinVar:

ClinVar aggregate classification (germline): Likely benign. Review status: criteria provided, single submitter (1 of 4 stars). 2 submissions from 2 submitters: Likely benign (1). 1 of the submissions does not count toward it. Last evaluated 2024-11-21.

Conditions:
PIGG-related disorder. Also called: PIGG-related condition.

Allele frequency attached by ClinVar (database versions not stated): 1000 Genomes Project 0.00080; 1000 Genomes Project 30x 0.00094; TOPMed 0.00367; gnomAD 0.00393; gnomAD exomes 0.00499.
gnomAD v4.1: 3,133 of 663,740 alleles (0.47%); highest among the groups gnomAD compares: Non-Finnish European, 0.67%; 12 homozygotes.

Submissions (2):

Blueprint Genetics
Classification: Likely benign. Last evaluated: 2024-11-21. Review status: criteria provided, single submitter. Criteria: ACMG Guidelines, 2015. Collection method: clinical testing. Allele origin: germline.

PreventionGenetics, part of Exact Sciences
Classification: Benign for PIGG-related condition. Last evaluated: 2024-06-16. Review status: no assertion criteria provided. Collection method: clinical testing. Allele origin: germline. Not counted in ClinVar's aggregate classification.
Comment: This variant is classified as benign based on ACMG/AMP sequence variant interpretation guidelines (Richards et al. 2015 PMID: 25741868, with internal and published modifications).

NM_001127178.3(PIGG):c.1614+184T>C

Gene: PIGG (phosphatidylinositol glycan anchor biosynthesis class G (EMM blood group); plus strand). Cytogenetic location: 4p16.3.
Variant type: single nucleotide variant.
Coding change: c.1614+184T>C on transcript NM_001127178.3 (MANE Select); 184 bases into the intron after coding-DNA position 1614, T replaced by C.
Molecular consequence: intron variant. On other transcripts: 3 prime UTR variant (3), missense variant (1), non-coding transcript variant (1).
Genome position (GRCh38, 1-based): chr4:522,125, T>C. VCF-style: chr4-522125-T-C. GRCh37 (hg19) VCF-style: chr4-515914-T-C.
Other names: c.*88T>C (NM_001289053.2); c.*360T>C (NM_001289055.2); c.*413T>C (NM_001289057.2); c.1751T>C, p.Val584Ala (NM_001345989.2); c.516+184T>C (NM_001345994.2); c.1347+184T>C (NM_001345986.2, NM_001289051.2); c.1323+184T>C (NM_001345987.2); c.81+184T>C (NM_001345991.2, NM_001345990.2); and 3 more; short protein forms V584A.
Identifiers: ClinVar variation 3034096 (VCV003034096.3), dbSNP rs534227832, ClinGen allele CA11872665.